The following is an entry in ClinVar:

NM_006267.5(RANBP2):c.3033G>A (p.Pro1011=)

Gene: RANBP2 (RAN binding protein 2; plus strand). Cytogenetic location: 2q13.
Variant type: single nucleotide variant.
Coding change: c.3033G>A on transcript NM_006267.5 (MANE Select); coding-DNA position 3033, G replaced by A.
Protein change: p.Pro1011=; no amino-acid change (proline 1011 retained).
Molecular consequence: synonymous variant.
Genome position (GRCh38, 1-based): chr2:108,763,572, G>A. VCF-style: chr2-108763572-G-A. GRCh37 (hg19) VCF-style: chr2-109380028-G-A.
Identifiers: ClinVar variation 469445 (VCV000469445.15), dbSNP rs78215631, ClinGen allele CA1822860.
Genomic context (GRCh38, chr2:108,763,572, plus strand): 5'-AAGATCTGCAGAATCTAAGACTATAGAATTTGGGAAAACTAATTTTGTTCAGCCCATGCC[G>A]GGTGAAGGATTAAGGCCATCTTTGCCAACACAAGCACACACAACACAGCCAACTCCTTTT-3'
Protein context (NP_006258.3, residues 1001-1021): FGKTNFVQPM[Pro1011=]GEGLRPSLPT

ClinVar aggregate classification (germline): Benign/Likely benign. Review status: criteria provided, multiple submitters, no conflicts (2 of 4 stars). 3 submissions from 3 submitters: Benign (1); Likely benign (2). Last evaluated 2026-01-16.

Conditions:
Familial acute necrotizing encephalopathy (IIAE3). Also called: Susceptibility to Acute Necrotizing Encephalopathy 1; ENCEPHALOPATHY, ACUTE, INFECTION-INDUCED, SUSCEPTIBILITY TO, 3. Identifiers: Orphanet 88619, MedGen C2675556, MONDO:0011953, OMIM 608033.

Allele frequency attached by ClinVar (database versions not stated): ExAC 0.00146; gnomAD 0.00478; TOPMed 0.00500; ESP Exome Variant Server 0.00561; 1000 Genomes Project 0.00579; 1000 Genomes Project 30x 0.00656; gnomAD exomes 0.00109.
gnomAD v4.1: 1,371 of 1,614,020 alleles (0.085%); highest among the groups gnomAD compares: African/African-American, 1.6%; 9 homozygotes.

Submissions (6):

Labcorp Genetics (formerly Invitae), Labcorp
Classification: Benign for Familial acute necrotizing encephalopathy. Last evaluated: 2026-01-16. Review status: criteria provided, single submitter. Criteria: Invitae Variant Classification Sherloc (09022015). Collection method: clinical testing. Allele origin: germline.

Blueprint Genetics
Classification: Likely benign. Last evaluated: 2024-11-25. Review status: criteria provided, single submitter. Criteria: ACMG Guidelines, 2015. Collection method: clinical testing. Allele origin: germline.

GeneDx
Classification: Likely benign. Last evaluated: 2017-03-27. Review status: criteria provided, single submitter. Criteria: GeneDx Variant Classification (06012015). Collection method: clinical testing. Allele origin: germline. Affected: yes.
Comment: This variant is considered likely benign or benign based on one or more of the following criteria: it is a conservative change, it occurs at a poorly conserved position in the protein, it is predicted to be benign by multiple in silico algorithms, and/or has population frequency not consistent with disease.

Dr. Peter K. Rogan Lab, Western University
No classification provided (evidence only). Condition: Clear cell carcinoma of kidney. Review status: no classification provided. Collection method: in vitro. Allele origin: not applicable. Functional consequence: skipped exon, retained intron. Not counted in ClinVar's aggregate classification.

Dr. Peter K. Rogan Lab, Western University
No classification provided (evidence only). Condition: Sarcoma. Review status: no classification provided. Collection method: in vitro. Allele origin: not applicable. Functional consequence: retained intron. Not counted in ClinVar's aggregate classification.

Dr. Peter K. Rogan Lab, Western University
No classification provided (evidence only). Condition: Cholangiocarcinoma. Review status: no classification provided. Collection method: in vitro. Allele origin: not applicable. Functional consequence: skipped exon. Not counted in ClinVar's aggregate classification.